The following is an entry in ClinVar:

NM_181458.4(PAX3):c.210C>A (p.Cys70Ter)

Gene: PAX3 (paired box 3; minus strand). Cytogenetic location: 2q36.1.
Variant type: single nucleotide variant.
Coding change: c.210C>A on transcript NM_181458.4 (MANE Select); coding-DNA position 210, C replaced by A.
Protein change: p.Cys70Ter; replaces cysteine 70 with a stop codon.
Molecular consequence: nonsense.
Genome position (GRCh38, 1-based): chr2:222,297,089, G>T on the plus strand (C>A on the coding strand, the complement: PAX3 is on the minus strand). VCF-style: chr2-222297089-G-T. GRCh37 (hg19) VCF-style: chr2-223161808-G-T.
Other names: c.210C>A, p.Cys70Ter (NM_000438.6, NM_001127366.3, NM_013942.5 and 4 more transcripts); short protein forms C70*.
Identifiers: ClinVar variation 547732 (VCV000547732.9), dbSNP rs1356246522, ClinGen allele CA351113581.

ClinVar aggregate classification (germline): Pathogenic/Likely pathogenic. Review status: criteria provided, multiple submitters, no conflicts (2 of 4 stars). 6 submissions from 6 submitters: Pathogenic (2); Likely pathogenic (3). 1 of the submissions does not count toward it. Last evaluated 2024-10-22.

Conditions:
Waardenburg syndrome type 1 (WS1). Also called: WAARDENBURG SYNDROME WITH DYSTOPIA CANTHORUM; Waardenburg Syndrome Type I. Identifiers: Orphanet 894, MedGen C1847800, MONDO:0008670, OMIM 193500.
PAX3-related disorder. Also called: PAX3-related condition.

Submissions (6):

GeneDx
Classification: Likely pathogenic. Last evaluated: 2024-10-22. Review status: criteria provided, single submitter. Criteria: GeneDx Variant Classification Process June 2021. Collection method: clinical testing. Allele origin: germline. Affected: yes.
Comment: Reported as a familial variant an individual with non-syndromic hearing loss in published literature (PMID: 34142234); Nonsense variant predicted to result in protein truncation or nonsense mediated decay in a gene for which loss of function is a known mechanism of disease; Not observed at significant frequency in large population cohorts (gnomAD); This variant is associated with the following publications: (PMID: 34142234)

Labcorp Genetics (formerly Invitae), Labcorp
Classification: Pathogenic. Last evaluated: 2023-10-07. Review status: criteria provided, single submitter. Criteria: Invitae Variant Classification Sherloc (09022015). Collection method: clinical testing. Allele origin: germline.
Comment: This sequence change creates a premature translational stop signal (p.Cys70*) in the PAX3 gene. It is expected to result in an absent or disrupted protein product. Loss-of-function variants in PAX3 are known to be pathogenic (PMID: 20127975, 23512835). This variant is not present in population databases (gnomAD no frequency). This variant has not been reported in the literature in individuals affected with PAX3-related conditions. ClinVar contains an entry for this variant (Variation ID: 547732). For these reasons, this variant has been classified as Pathogenic.

Blueprint Genetics
Classification: Likely pathogenic for PAX3-related disorders. Last evaluated: 2020-10-19. Review status: criteria provided, single submitter. Criteria: ACMG Guidelines, 2015. Collection method: clinical testing. Allele origin: germline. Affected: yes. Observed: 1 variant allele.

Genetic Testing Center for Deafness, Department of Otolaryngology Head & Neck Surgery, Institute of Otolaryngology, Chinese PLA General Hospital
Classification: Pathogenic for Waardenburg syndrome type 1. Last evaluated: 2019-01-01. Review status: criteria provided, single submitter. Criteria: ACMG Guidelines, 2015. Collection method: clinical testing. Allele origin: inherited. Affected: yes.

Center for Human Genetics, Inc
Classification: Likely pathogenic for Waardenburg syndrome type 1. Last evaluated: 2016-11-01. Review status: criteria provided, single submitter. Criteria: ACMG Guidelines, 2015. Collection method: clinical testing. Allele origin: germline. Affected: yes.

PreventionGenetics, part of Exact Sciences
Classification: Pathogenic for PAX3-related condition. Last evaluated: 2024-06-19. Review status: no assertion criteria provided. Collection method: clinical testing. Allele origin: germline. Not counted in ClinVar's aggregate classification.
Comment: The PAX3 c.210C>A variant is predicted to result in premature protein termination (p.Cys70*). This variant was reported in an individual with Waardenburg syndrome (Wang et al. 2022. PubMed ID: 34142234). This variant has not been reported in a large population database, indicating this variant is rare. Nonsense variants in PAX3 are expected to be pathogenic. This variant is interpreted as pathogenic.

Literature cited by the submitters: PubMed 20127975 (cited by Labcorp Genetics (formerly Invitae), Labcorp); PubMed 23512835 (cited by Labcorp Genetics (formerly Invitae), Labcorp).